The following is an entry in ClinVar:

ClinVar aggregate classification (germline): Likely pathogenic (1 of 4 stars; one submission).

Conditions:
Brain small vessel disease 2A, autosomal dominant. Also called: Porencephaly 2. Identifiers: Orphanet 2940, Orphanet 99810, MedGen C3280970, MONDO:0013773, OMIM 614483.

Submission:

Department of Neurology, Zibo Changguo Hospital
Classification: Likely pathogenic for Brain small vessel disease 2A, autosomal dominant. Last evaluated: 2025-01-08. Review status: criteria provided, single submitter. Criteria: ACMG Guidelines, 2015. Collection method: clinical testing. Allele origin: maternal. Inheritance: Autosomal dominant inheritance. Affected: yes.
Comment: PVS1, PM2_Supporting

NM_001846.4(COL4A2):c.3191del (p.Gly1064fs)

Gene: COL4A2 (collagen type IV alpha 2 chain; plus strand). Cytogenetic location: 13q34.
Variant type: Deletion.
Coding change: c.3191del on transcript NM_001846.4 (MANE Select); coding-DNA position 3191, one base deleted (G; older notation c.3191delG).
Protein change: p.Gly1064fs; shifts the reading frame from glycine 1064.
Molecular consequence: frameshift variant.
Genome position (GRCh38, 1-based): chr13:110,485,820, G deleted; the last of 2 consecutive G bases (chr13:110,485,819-110,485,820); deleting either gives the same sequence. VCF-style (leftmost placement, unchanged base first): chr13-110485818-AG-A. GRCh37 (hg19) VCF-style: chr13-111138165-AG-A.
Other names: short protein forms G1064fs.
Identifiers: ClinVar variation 3770218 (VCV003770218.1).